The following is an entry in ClinVar:

NM_024649.5(BBS1):c.931C>T (p.Leu311=)

Genes: BBS1 (Bardet-Biedl syndrome 1; plus strand), ZDHHC24 (zDHHC palmitoyltransferase 24; minus strand). Cytogenetic location: 11q13.2.
Variant type: single nucleotide variant.
Coding change: c.931C>T on transcript NM_024649.5 (MANE Select); coding-DNA position 931, C replaced by T.
Protein change: p.Leu311=; no amino-acid change (leucine 311 retained).
Molecular consequence: synonymous variant. On other transcripts: intron variant (1).
Genome position (GRCh38, 1-based): chr11:66,523,556, C>T. VCF-style: chr11-66523556-C-T. GRCh37 (hg19) VCF-style: chr11-66291027-C-T.
Other names: c.*22-2090G>A (NM_001348571.2).
Identifiers: ClinVar variation 1421712 (VCV001421712.9), dbSNP rs1256532742, ClinGen allele CA475492040.

ClinVar aggregate classification (germline): Likely benign. Review status: criteria provided, single submitter (1 of 4 stars). 2 submissions from 2 submitters: Likely benign (1). 1 of the submissions does not count toward it. Last evaluated 2024-03-26.

Conditions:
BBS1-related disorder. Also called: BBS1-related condition.
Bardet-Biedl syndrome (BBS). Identifiers: Orphanet 110, MedGen C0752166, MONDO:0015229.

Allele frequency attached by ClinVar (database versions not stated): TOPMed below 0.00001; gnomAD exomes 0.00001.
gnomAD v4.1: 6 of 1,614,174 alleles (0.00037%); highest among the groups gnomAD compares: Admixed American, 0.0017%; no homozygotes.

Submissions (2):

Labcorp Genetics (formerly Invitae), Labcorp
Classification: Likely benign for Bardet-Biedl syndrome. Last evaluated: 2024-03-26. Review status: criteria provided, single submitter. Criteria: Invitae Variant Classification Sherloc (09022015). Collection method: clinical testing. Allele origin: germline.

PreventionGenetics, part of Exact Sciences
Classification: Likely benign for BBS1-related condition. Last evaluated: 2024-09-01. Review status: no assertion criteria provided. Collection method: clinical testing. Allele origin: germline. Not counted in ClinVar's aggregate classification.
Comment: This variant is classified as likely benign based on ACMG/AMP sequence variant interpretation guidelines (Richards et al. 2015 PMID: 25741868, with internal and published modifications).